The following is an entry in ClinVar:

NM_001854.4(COL11A1):c.3229C>A (p.Pro1077Thr)

Gene: COL11A1 (collagen type XI alpha 1 chain; minus strand). Cytogenetic location: 1p21.1.
Variant type: single nucleotide variant.
Coding change: c.3229C>A on transcript NM_001854.4 (MANE Select); coding-DNA position 3229, C replaced by A.
Protein change: p.Pro1077Thr; replaces proline 1077 with threonine.
Molecular consequence: missense variant. On other transcripts: non-coding transcript variant (1).
Genome position (GRCh38, 1-based): chr1:102,946,896, G>T on the plus strand (C>A on the coding strand, the complement: COL11A1 is on the minus strand). VCF-style: chr1-102946896-G-T. GRCh37 (hg19) VCF-style: chr1-103412452-G-T.
Other names: c.3112C>A, p.Pro1038Thr (NM_001190709.2); c.3265C>A, p.Pro1089Thr (NM_080629.3); c.2881C>A, p.Pro961Thr (NM_080630.4); short protein forms P1077T, P1089T, P961T, P1038T.
Identifiers: ClinVar variation 291519 (VCV000291519.40), dbSNP rs144562769, ClinGen allele CA974092.

ClinVar aggregate classification (germline): Conflicting classifications of pathogenicity. Review status: criteria provided, conflicting classifications (1 of 4 stars). 9 submissions from 8 submitters: Uncertain significance (7); Likely benign (2). Last evaluated 2026-08-20.

Conditions:
Hearing loss, autosomal dominant 37. Also called: DEAFNESS, AUTOSOMAL DOMINANT 37. Identifiers: MedGen C4760307, MONDO:0032802, OMIM 618533.
COL11A1-related disorder. Also called: COL11A1-related condition; COL11A1-related disorders.
Fibrochondrogenesis 1 (FBCG1). Identifiers: Orphanet 2021, MedGen C3278138, MONDO:0009226, OMIM 228520.
Stickler syndrome type 2 (STL2). Also called: STICKLER SYNDROME, BEADED VITREOUS TYPE; STICKLER SYNDROME, VITREOUS TYPE 2; COL11A1-Related Stickler Syndrome; STICKLER SYNDROME, TYPE II. Identifiers: Orphanet 828, Orphanet 90654, MedGen C1858084, MONDO:0011493, OMIM 604841.

Allele frequency attached by ClinVar (database versions not stated): gnomAD 0.00007; TOPMed 0.00009; gnomAD exomes 0.00011; ExAC 0.00014; ESP Exome Variant Server 0.00015.
gnomAD v4.1: 187 of 1,613,474 alleles (0.012%); highest among the groups gnomAD compares: Middle Eastern, 0.12%; no homozygotes.

Submissions (9):

GeneDx
Classification: Uncertain significance. Last evaluated: 2026-08-20. Review status: criteria provided, single submitter. Criteria: GeneDx Variant Classification Process June 2021. Collection method: clinical testing. Allele origin: germline.
Comment: Identified in a patient with sensorineural hearing loss and classified as a variant of uncertain significance in published literature (PMID: 38410152); Identified in a patient with unilateral hearing loss who also harbored a number of additional variants in other genes in published literature (PMID: 34515852); In silico analysis supports that this missense variant has a deleterious effect on protein structure/function; This variant is associated with the following publications: (PMID: 38410152, 34515852)

PreventionGenetics, part of Exact Sciences
Classification: Uncertain significance for COL11A1-related condition. Last evaluated: 2026-06-04. Review status: criteria provided, single submitter. Criteria: ACMG Guidelines, 2015. Collection method: clinical testing. Allele origin: germline.
Comment: The COL11A1 c.3229C>A variant is predicted to result in the amino acid substitution p.Pro1077Thr. This variant was reported in the heterozygous state without a second potentially causative variant in two individuals with either bilateral or unilateral hearing loss, one of which had potentially causative variants in other genes (Supplementary Table, Florentine et al. 2022. PubMed ID: 34515852; Ali et al. 2024. PubMed ID: 38410152). This variant is reported in 0.033% of alleles in individuals of South Asian descent in gnomAD, including 27 heterozygotes. At this time, the clinical significance of this variant is uncertain due to the absence of conclusive functional and genetic evidence.

Labcorp Genetics (formerly Invitae), Labcorp
Classification: Likely benign. Last evaluated: 2025-11-07. Review status: criteria provided, single submitter. Criteria: Invitae Variant Classification Sherloc (09022015). Collection method: clinical testing. Allele origin: germline.

Women's Health and Genetics/Laboratory Corporation of America, LabCorp
Classification: Uncertain significance. Last evaluated: 2025-05-12. Review status: criteria provided, single submitter. Criteria: LabCorp Variant Classification Summary - May 2015. Collection method: clinical testing. Allele origin: germline.
Comment: Variant summary: COL11A1 c.3229C>A (p.Pro1077Thr) results in a non-conservative amino acid change in the encoded protein sequence. Algorithms developed to predict the effect of missense changes on protein structure and function all suggest that this variant is likely to be disruptive. The variant allele was found at a frequency of 0.00011 in 250360 control chromosomes. This frequency is not significantly higher than estimated for a pathogenic variant in COL11A1 causing Stickler Syndrome, allowing no conclusion about variant significance. c.3229C>A has been observed in individual(s) affected with clinical features of nonsyndromic deafness (example, Florentine_2022, Ali_2024), without strong evidence for causality. These report(s) do not provide unequivocal conclusions about association of the variant with COL11A1-related conditions. To our knowledge, no experimental evidence demonstrating an impact on protein function has been reported. The following publications have been ascertained in the context of this evaluation (PMID: 34515852, 38410152). ClinVar contains an entry for this variant (Variation ID: 291519). Based on the evidence outlined above, the variant was classified as uncertain significance.

Blueprint Genetics
Classification: Likely benign. Last evaluated: 2024-05-24. Review status: criteria provided, single submitter. Criteria: ACMG Guidelines, 2015. Collection method: clinical testing. Allele origin: germline.

CeGaT Center for Human Genetics Tuebingen
Classification: Uncertain significance. Last evaluated: 2024-04-01. Review status: criteria provided, single submitter. Criteria: CeGaT Center For Human Genetics Tuebingen Variant Classification Criteria Version 2. Collection method: clinical testing. Allele origin: germline. Affected: yes. Observed: 1 variant allele.

UAEU Genomics Laboratory, United Arab Emirates University
Classification: Uncertain significance for Hearing loss, autosomal dominant 37. Last evaluated: 2021-12-26. Review status: criteria provided, single submitter. Criteria: ACMG Guidelines, 2015. Collection method: research. Allele origin: germline. Affected: yes. Observed: 1 variant allele.
Comment: The missense variant NM_001854.4(COL11A1):c.3229C>A (p.Pro1077Thr) has not been reported previously as a pathogenic variant nor as a benign variant, to our knowledge. This variant is observed in 10/30454 (0.0328%) alleles from individuals of gnomAD South Asian background in the gnomAD dataset (Genome Aggregation Database et al., 2020), but was not seen in the homozygous state. There is a small physicochemical difference between proline and threonine, which is not likely to impact secondary protein structure as these residues share similar properties. For these reasons, this variant has been classified as Uncertain Significance

Illumina Laboratory Services, Illumina
Classification: Uncertain significance for Fibrochondrogenesis 1. Last evaluated: 2018-01-13. Review status: criteria provided, single submitter. Criteria: ICSL Variant Classification Criteria 13 December 2019. Collection method: clinical testing. Allele origin: germline.

Illumina Laboratory Services, Illumina
Classification: Uncertain significance for Stickler syndrome type 2. Last evaluated: 2018-01-13. Review status: criteria provided, single submitter. Criteria: ICSL Variant Classification Criteria 13 December 2019. Collection method: clinical testing. Allele origin: germline.

Literature cited by the submitters: PubMed 34515852 (cited by Women's Health and Genetics/Laboratory Corporation of America, LabCorp); PubMed 38410152 (cited by Women's Health and Genetics/Laboratory Corporation of America, LabCorp).